The following is an entry in ClinVar:

NM_001122630.2(CDKN1C):c.79G>A (p.Asp27Asn)

Gene: CDKN1C (cyclin dependent kinase inhibitor 1C; minus strand). Cytogenetic location: 11p15.4.
Variant type: single nucleotide variant.
Coding change: c.79G>A on transcript NM_001122630.2 (MANE Select); coding-DNA position 79, G replaced by A.
Protein change: p.Asp27Asn; replaces aspartic acid 27 with asparagine.
Molecular consequence: missense variant.
Genome position (GRCh38, 1-based): chr11:2,885,378, C>T on the plus strand (G>A on the coding strand, the complement: CDKN1C is on the minus strand). VCF-style: chr11-2885378-C-T. GRCh37 (hg19) VCF-style: chr11-2906608-C-T.
Other names: c.112G>A, p.Asp38Asn (NM_000076.2, NM_001362474.2); c.79G>A, p.Asp27Asn (NM_001122631.2, NM_001362475.2); short protein forms D27N, D38N.
Identifiers: ClinVar variation 849930 (VCV000849930.9), dbSNP rs1848978520, ClinGen allele CA379147735.

ClinVar aggregate classification (germline): Uncertain significance (1 of 4 stars; one submission).

Conditions:
Beckwith-Wiedemann syndrome (BWS). Also called: EMG SYNDROME; Exomphalos macroglossia gigantism syndrome. Identifiers: Orphanet 116, MedGen C0004903, MONDO:0007534, OMIM 130650.

gnomAD v4.1: 4 of 1,577,418 alleles (0.00025%); highest among the groups gnomAD compares: Non-Finnish European, 0.00034%; no homozygotes.

Submission:

Labcorp Genetics (formerly Invitae), Labcorp
Classification: Uncertain significance for Beckwith-Wiedemann syndrome. Last evaluated: 2019-12-11. Review status: criteria provided, single submitter. Criteria: Invitae Variant Classification Sherloc (09022015). Collection method: clinical testing. Allele origin: germline.
Comment: In summary, the available evidence is currently insufficient to determine the role of this variant in disease. Therefore, it has been classified as a Variant of Uncertain Significance. Algorithms developed to predict the effect of missense changes on protein structure and function are either unavailable or do not agree on the potential impact of this missense change (SIFT: "Deleterious"; PolyPhen-2: "Benign"; Align-GVGD: "Class C15"). This variant has not been reported in the literature in individuals with CDKN1C-related conditions. This variant is not present in population databases (ExAC no frequency). This sequence change replaces aspartic acid with asparagine at codon 38 of the CDKN1C protein (p.Asp38Asn). The aspartic acid residue is highly conserved and there is a small physicochemical difference between aspartic acid and asparagine.